The following is an entry in ClinVar:

ClinVar aggregate classification (germline): Uncertain significance (1 of 4 stars; one submission).

Submission:

CeGaT Center for Human Genetics Tuebingen
Classification: Uncertain significance. Last evaluated: 2022-08-01. Review status: criteria provided, single submitter. Criteria: CeGaT Center For Human Genetics Tuebingen Variant Classification Criteria Version 2. Collection method: clinical testing. Allele origin: germline. Affected: yes. Observed: 1 variant allele.
Comment: HK3: PM2

NM_002115.3(HK3):c.2086C>T (p.Leu696Phe)

Gene: HK3 (hexokinase 3; minus strand). Cytogenetic location: 5q35.2.
Variant type: single nucleotide variant.
Coding change: c.2086C>T on transcript NM_002115.3 (MANE Select); coding-DNA position 2086, C replaced by T.
Protein change: p.Leu696Phe; replaces leucine 696 with phenylalanine.
Molecular consequence: missense variant.
Genome position (GRCh38, 1-based): chr5:176,882,095, G>A on the plus strand (C>T on the coding strand, the complement: HK3 is on the minus strand). VCF-style: chr5-176882095-G-A. GRCh37 (hg19) VCF-style: chr5-176309096-G-A.
Other names: short protein forms L696F.
Identifiers: ClinVar variation 2656095 (VCV002656095.24), dbSNP rs2532552494, ClinGen allele CA362283439.
Genomic context (GRCh38, chr5:176,882,095, plus strand): 5'-CCCACTCCATGTTGATGCACATGCGGCCTGAGTCCCCAGGCACGCCCGCCACATTCCGGA[G>A]CTCCTCCATGTAGCAGGCATTGGTGCCGGTTCCTGCAGAGAGGCCAGACAACGTGGAAGC-3'
Protein context (NP_002106.2, residues 686-706): TGTNACYMEE[Leu696Phe]RNVAGVPGDS